The following is an entry in ClinVar:

NM_006005.3(WFS1):c.2430C>G (p.Phe810Leu)

Gene: WFS1 (wolframin ER transmembrane glycoprotein; plus strand). Cytogenetic location: 4p16.1.
Variant type: single nucleotide variant.
Coding change: c.2430C>G on transcript NM_006005.3 (MANE Select); coding-DNA position 2430, C replaced by G.
Protein change: p.Phe810Leu; replaces phenylalanine 810 with leucine.
Molecular consequence: missense variant.
Genome position (GRCh38, 1-based): chr4:6,302,225, C>G. VCF-style: chr4-6302225-C-G. GRCh37 (hg19) VCF-style: chr4-6303952-C-G.
Other names: c.2430C>G, p.Phe810Leu (NM_001145853.1); short protein forms F810L.
Identifiers: ClinVar variation 517479 (VCV000517479.6), dbSNP rs1553879021, ClinGen allele CA356178567.

ClinVar aggregate classification (germline): Conflicting classifications of pathogenicity. Review status: criteria provided, conflicting classifications (1 of 4 stars). 2 submissions from 2 submitters: Likely risk allele (1); Uncertain significance (1). Last evaluated 2017-07-13.

Conditions:
Wolfram syndrome 1 (WFS1). Identifiers: Orphanet 3463, MedGen C4551693, MONDO:0009101, OMIM 222300.

Submissions (2):

Laboratory for Molecular Medicine, Mass General Brigham Personalized Medicine
Classification: Uncertain significance. Last evaluated: 2017-07-13. Review status: criteria provided, single submitter. Criteria: LMM Criteria. Collection method: clinical testing. Allele origin: germline. Observed: 1 variant allele.
Comment: The p.Phe810Leu variant in WFS1 has not been previously reported in individuals with hearing loss or in large population studies. Computational prediction tools and conservation analyses suggest that this variant may impact the protein, tho ugh this information is not predictive enough to determine pathogenicity. In sum mary, the clinical significance of the p.Phe810Leu variant is uncertain.

Clinical Genomics, Uppaluri K&H Personalized Medicine Clinic
Classification: Likely risk allele for Wolfram syndrome 1. Review status: criteria provided, single submitter. Criteria: K & H Uppaluri Personalized Medicine Clinic Variant Classification & Assertion Criteria_Updated V.1. Collection method: research. Allele origin: unknown. Inheritance: Autosomal recessive inheritance.
Comment: Potent mutations in WFS1 gene are associated with Wolfram's syndrome, an autosomal recessive condition, which cause diabetes mellitus, diabetes insipidus, deafness and optic atrophy. However no sufficient evidence is found to ascertain the role of this particular variant rs1553879021 in Wolfram's syndrome yet.

Literature cited by the submitters: PubMed 20738327 (cited by Clinical Genomics, Uppaluri K&H Personalized Medicine Clinic); PubMed 33879153 (cited by Clinical Genomics, Uppaluri K&H Personalized Medicine Clinic); PubMed 12955714 (cited by Clinical Genomics, Uppaluri K&H Personalized Medicine Clinic); PubMed 18060660 (cited by Clinical Genomics, Uppaluri K&H Personalized Medicine Clinic); PubMed 20301750 (cited by Clinical Genomics, Uppaluri K&H Personalized Medicine Clinic); PubMed 17603484 (cited by Clinical Genomics, Uppaluri K&H Personalized Medicine Clinic).